The following is an entry in ClinVar:

ClinVar aggregate classification (germline): Uncertain significance. Review status: criteria provided, multiple submitters, no conflicts (2 of 4 stars). 3 submissions from 3 submitters: Uncertain significance (2). 1 of the submissions does not count toward it. Last evaluated 2025-11-19.

Conditions:
Thrombomodulin-related bleeding disorder (THPH12). Also called: Thrombophilia due to thrombomodulin defect. Identifiers: Orphanet 436169, MedGen C3280976, MONDO:0013775, OMIM 614486.
Atypical hemolytic-uremic syndrome with thrombomodulin anomaly. Also called: HEMOLYTIC UREMIC SYNDROME, ATYPICAL, SUSCEPTIBILITY TO, 6; AHUS, SUSCEPTIBILITY TO, 6. Identifiers: MedGen C2752036, MONDO:0013044, OMIM 612926. Disease mechanism: gain of function.

Allele frequency attached by ClinVar (database versions not stated): TOPMed below 0.00001; gnomAD 0.00001; gnomAD exomes 0.00001; ExAC 0.00004.
gnomAD v4.1: 4 of 1,605,448 alleles (0.00025%); highest among the groups gnomAD compares: Non-Finnish European, 0.00034%; no homozygotes.

Submissions (3):

Labcorp Genetics (formerly Invitae), Labcorp
Classification: Uncertain significance. Last evaluated: 2025-11-19. Review status: criteria provided, single submitter. Criteria: Invitae Variant Classification Sherloc (09022015). Collection method: clinical testing. Allele origin: germline.
Comment: This sequence change replaces aspartic acid, which is acidic and polar, with glycine, which is neutral and non-polar, at codon 53 of the THBD protein (p.Asp53Gly). The frequency data for this variant in the population databases is considered unreliable, as metrics indicate poor data quality at this position in the gnomAD database. This missense change has been observed in individual(s) with recurrent atypical hemolytic–uremic syndrome (PMID: 19625716). ClinVar contains an entry for this variant (Variation ID: 12719). Invitae Evidence Modeling of protein sequence and biophysical properties (such as structural, functional, and spatial information, amino acid conservation, physicochemical variation, residue mobility, and thermodynamic stability) indicates that this missense variant is not expected to disrupt THBD protein function with a negative predictive value of 80%. In summary, the available evidence is currently insufficient to determine the role of this variant in disease. Therefore, it has been classified as a Variant of Uncertain Significance.

Genomenon, Inc
Classification: Uncertain significance for Thrombomodulin-related bleeding disorder. Last evaluated: 2025-09-22. Review status: criteria provided, single submitter. Criteria: Genomenon Sequence Variant Interpretation Standards - Updated. Collection method: curation. Allele origin: germline. Affected: no.
Comment: THBD p.Asp53Gly (c.158A>G) is a missense variant that changes the amino acid at residue 53 from Aspartic acid to Glycine. This variant has been reported in the published literature (PMID:19625716;20595690). It is absent or not present at a significant frequency in gnomAD. In silico models agree that this variant is not damaging. In conclusion, we classify THBD p.Asp53Gly (c.158A>G) as a variant of unknown significance.

OMIM
Classification: risk factor for HEMOLYTIC UREMIC SYNDROME, ATYPICAL, SUSCEPTIBILITY TO, 6. Last evaluated: 2009-07-23. Review status: no assertion criteria provided. Collection method: literature only. Allele origin: germline. Not counted in ClinVar's aggregate classification.

Literature cited by the submitters: PubMed 19625716 (cited by 3 submitters); PubMed 20595690 (cited by Genomenon, Inc).

NM_000361.3(THBD):c.158A>G (p.Asp53Gly)

Gene: THBD (thrombomodulin; minus strand). Cytogenetic location: 20p11.21.
Variant type: single nucleotide variant.
Coding change: c.158A>G on transcript NM_000361.3 (MANE Select); coding-DNA position 158, A replaced by G.
Protein change: p.Asp53Gly; replaces aspartic acid 53 with glycine.
Molecular consequence: missense variant.
Genome position (GRCh38, 1-based): chr20:23,049,347, T>C on the plus strand (A>G on the coding strand, the complement: THBD is on the minus strand). VCF-style: chr20-23049347-T-C. GRCh37 (hg19) VCF-style: chr20-23029984-T-C.
Other names: short protein forms D53G.
Identifiers: ClinVar variation 12719 (VCV000012719.3), dbSNP rs121918667, ClinGen allele CA256541.